The following is an entry in ClinVar:

NM_145691.4(ATPAF2):c.37C>A (p.Arg13Ser)

Gene: ATPAF2 (ATP synthase mitochondrial F1 complex assembly factor 2; minus strand). Cytogenetic location: 17p11.2.
Variant type: single nucleotide variant.
Coding change: c.37C>A on transcript NM_145691.4 (MANE Select); coding-DNA position 37, C replaced by A.
Protein change: p.Arg13Ser; replaces arginine 13 with serine.
Molecular consequence: missense variant.
Genome position (GRCh38, 1-based): chr17:18,038,977, G>T on the plus strand (C>A on the coding strand, the complement: ATPAF2 is on the minus strand). VCF-style: chr17-18038977-G-T. GRCh37 (hg19) VCF-style: chr17-17942291-G-T.
Other names: short protein forms R13S.
Identifiers: ClinVar variation 2829923 (VCV002829923.3), dbSNP rs1001215448, ClinGen allele CA288418525.

ClinVar aggregate classification (germline): Uncertain significance (1 of 4 stars; one submission).

Allele frequency attached by ClinVar (database versions not stated): gnomAD exomes below 0.00001.
gnomAD v4.1: 3 of 1,612,128 alleles (0.00019%); highest among the groups gnomAD compares: Non-Finnish European, 0.00025%; no homozygotes.

Submission:

Labcorp Genetics (formerly Invitae), Labcorp
Classification: Uncertain significance. Last evaluated: 2024-09-06. Review status: criteria provided, single submitter. Criteria: Invitae Variant Classification Sherloc (09022015). Collection method: clinical testing. Allele origin: germline.
Comment: This sequence change replaces arginine, which is basic and polar, with serine, which is neutral and polar, at codon 13 of the ATPAF2 protein (p.Arg13Ser). This variant is not present in population databases (gnomAD no frequency). This variant has not been reported in the literature in individuals affected with ATPAF2-related conditions. An algorithm developed to predict the effect of missense changes on protein structure and function (PolyPhen-2) suggests that this variant is likely to be tolerated. In summary, the available evidence is currently insufficient to determine the role of this variant in disease. Therefore, it has been classified as a Variant of Uncertain Significance.